The following is an entry in ClinVar:

NM_001378778.1(MPDZ):c.5495C>G (p.Thr1832Ser)

Gene: MPDZ (multiple PDZ domain crumbs cell polarity complex component; minus strand). Cytogenetic location: 9p23.
Variant type: single nucleotide variant.
Coding change: c.5495C>G on transcript NM_001378778.1 (MANE Select); coding-DNA position 5495, C replaced by G.
Protein change: p.Thr1832Ser; replaces threonine 1832 with serine.
Molecular consequence: missense variant.
Genome position (GRCh38, 1-based): chr9:13,113,993, G>C on the plus strand (C>G on the coding strand, the complement: MPDZ is on the minus strand). VCF-style: chr9-13113993-G-C. GRCh37 (hg19) VCF-style: chr9-13113992-G-C.
Other names: c.5396C>G, p.Thr1799Ser (NM_001261406.2, NM_001375416.1, NM_001375417.1 and 1 more transcripts); c.5309C>G, p.Thr1770Ser (NM_001261407.2, NM_001375419.1); c.5495C>G, p.Thr1832Ser (NM_001330637.2); c.5594C>G, p.Thr1865Ser (NM_001375413.1); c.5285C>G, p.Thr1762Ser (NM_001375420.1, NM_001375421.1, NM_001375422.1 and 2 more transcripts); c.5198C>G, p.Thr1733Ser (NM_001375425.1, NM_001375426.1); c.5087C>G, p.Thr1696Ser (NM_001375427.1); c.5408C>G, p.Thr1803Ser (NM_003829.5); short protein forms T1696S, T1733S, T1762S, T1770S, T1803S, T1865S, T1799S, T1832S.
Identifiers: ClinVar variation 1426794 (VCV001426794.6), dbSNP rs778187717, ClinGen allele CA4986244.

ClinVar aggregate classification (germline): Uncertain significance (1 of 4 stars; one submission).

Allele frequency attached by ClinVar (database versions not stated): TOPMed below 0.00001; gnomAD 0.00001; gnomAD exomes 0.00001; ExAC 0.00002.
gnomAD v4.1: 10 of 1,597,686 alleles (0.00063%); highest among the groups gnomAD compares: Admixed American, 0.0017%; no homozygotes.

Submission:

Labcorp Genetics (formerly Invitae), Labcorp
Classification: Uncertain significance. Last evaluated: 2021-11-05. Review status: criteria provided, single submitter. Criteria: Invitae Variant Classification Sherloc (09022015). Collection method: clinical testing. Allele origin: germline.
Comment: The frequency data for this variant in the population databases is considered unreliable, as metrics indicate poor data quality at this position in the gnomAD database. This sequence change replaces threonine, which is neutral and polar, with serine, which is neutral and polar, at codon 1803 of the MPDZ protein (p.Thr1803Ser). This variant has not been reported in the literature in individuals affected with MPDZ-related conditions. Algorithms developed to predict the effect of missense changes on protein structure and function output the following: SIFT: "Tolerated"; PolyPhen-2: "Benign"; Align-GVGD: "Class C0". The serine amino acid residue is found in multiple mammalian species, which suggests that this missense change does not adversely affect protein function. Algorithms developed to predict the effect of sequence changes on RNA splicing suggest that this variant may create or strengthen a splice site. In summary, the available evidence is currently insufficient to determine the role of this variant in disease. Therefore, it has been classified as a Variant of Uncertain Significance.